The following is an entry in ClinVar:

ClinVar aggregate classification (germline): Uncertain significance (1 of 4 stars; one submission).

Submission:

GeneDx
Classification: Uncertain significance. Last evaluated: 2023-03-07. Review status: criteria provided, single submitter. Criteria: GeneDx Variant Classification Process June 2021. Collection method: clinical testing. Allele origin: germline. Affected: yes.
Comment: Not observed at significant frequency in large population cohorts (gnomAD); In silico analysis supports that this missense variant has a deleterious effect on protein structure/function; Has not been previously published as pathogenic or benign to our knowledge

NM_007118.4(TRIO):c.1932G>C (p.Glu644Asp)

Gene: TRIO (trio Rho guanine nucleotide exchange factor; plus strand). Cytogenetic location: 5p15.2.
Variant type: single nucleotide variant.
Coding change: c.1932G>C on transcript NM_007118.4 (MANE Select); coding-DNA position 1932, G replaced by C.
Protein change: p.Glu644Asp; replaces glutamic acid 644 with aspartic acid.
Molecular consequence: missense variant. On other transcripts: non-coding transcript variant (1).
Genome position (GRCh38, 1-based): chr5:14,336,613, G>C. VCF-style: chr5-14336613-G-C. GRCh37 (hg19) VCF-style: chr5-14336722-G-C.
Other names: short protein forms E644D.
Identifiers: ClinVar variation 2444661 (VCV002444661.1), dbSNP rs2532447881, ClinGen allele CA359193719.
Genomic context (GRCh38, chr5:14,336,613, plus strand): 5'-GGATAAATTACTGGAAGCAGCAGAACAGCTGGCTCAGACTGGGGAATGTGACCCCGAAGA[G>C]ATTTATCAGGCTGCCCATCAGCTGGAAGACCGGATTCAAGATTTCGTTCGGCGTGTTGAG-3'
Protein context (NP_009049.2, residues 634-654): LAQTGECDPE[Glu644Asp]IYQAAHQLED